The following is an entry in ClinVar:

ClinVar aggregate classification (germline): Uncertain significance. Review status: criteria provided, multiple submitters, no conflicts (2 of 4 stars). 2 submissions from 2 submitters: Uncertain significance (2). Last evaluated 2025-05-21.

Conditions:
Familial amyloid nephropathy with urticaria AND deafness (MWS). Also called: UDA SYNDROME; URTICARIA-DEAFNESS-AMYLOIDOSIS SYNDROME; MUCKLE-WELLS SYNDROME; Urticaria, deafness and amyloidosis; CRYOPYRIN-ASSOCIATED PERIODIC SYNDROME 2. Identifiers: Orphanet 575, MedGen C0268390, MONDO:0008633, OMIM 191900.
Chronic infantile neurological, cutaneous and articular syndrome (CINCA). Also called: CHRONIC NEUROLOGIC CUTANEOUS AND ARTICULAR SYNDROME; CINCA syndrome; Prieur Griscelli syndrome; CRYOPYRIN-ASSOCIATED PERIODIC SYNDROME 3. Identifiers: Orphanet 1451, MedGen C0409818, MONDO:0011776, OMIM 607115.
Hearing loss, autosomal dominant 34, with or without inflammation. Also called: DEAFNESS, AUTOSOMAL DOMINANT 34, WITH OR WITHOUT INFLAMMATION. Identifiers: MedGen C4521680, MONDO:0033261, OMIM 617772.
Familial cold autoinflammatory syndrome 1 (FCAS1). Also called: CRYOPYRIN-ASSOCIATED PERIODIC SYNDROME 1; Familial cold inflammatory syndrome 1. Identifiers: Orphanet 47045, MedGen C4551895, MONDO:0007349, OMIM 120100.
Keratitis fugax hereditaria. Also called: KERATOENDOTHELIITIS FUGAX HEREDITARIA. Identifiers: Orphanet 647815, MedGen C1835697, MONDO:0007849, OMIM 148200.
Cryopyrin associated periodic syndrome (CAPS). Identifiers: Orphanet 208650, MedGen C2316212, MONDO:0016168.

gnomAD v4.1: 5 of 1,613,972 alleles (0.00031%); highest among the groups gnomAD compares: Non-Finnish European, 0.00042%; no homozygotes.

Submissions (2):

Labcorp Genetics (formerly Invitae), Labcorp
Classification: Uncertain significance for Cryopyrin associated periodic syndrome. Last evaluated: 2025-05-21. Review status: criteria provided, single submitter. Criteria: Invitae Variant Classification Sherloc (09022015). Collection method: clinical testing. Allele origin: germline.
Comment: This sequence change replaces threonine, which is neutral and polar, with methionine, which is neutral and non-polar, at codon 897 of the NLRP3 protein (p.Thr897Met). This variant is not present in population databases (gnomAD no frequency). This variant has not been reported in the literature in individuals affected with NLRP3-related conditions. ClinVar contains an entry for this variant (Variation ID: 3583404). Invitae Evidence Modeling of protein sequence and biophysical properties (such as structural, functional, and spatial information, amino acid conservation, physicochemical variation, residue mobility, and thermodynamic stability) has been performed for this missense variant. However, the output from this modeling did not meet the statistical confidence thresholds required to predict the impact of this variant on NLRP3 protein function. In summary, the available evidence is currently insufficient to determine the role of this variant in disease. Therefore, it has been classified as a Variant of Uncertain Significance.

Fulgent Genetics
Classification: Uncertain significance for Familial cold autoinflammatory syndrome 1; Keratitis fugax hereditaria; Familial amyloid nephropathy with urticaria AND deafness; Chronic infantile neurological, cutaneous and articular syndrome; Hearing loss, autosomal dominant 34, with or without inflammation. Last evaluated: 2024-03-08. Review status: criteria provided, single submitter. Criteria: ACMG Guidelines, 2015. Collection method: clinical testing. Allele origin: germline.

NM_001243133.2(NLRP3):c.2684C>T (p.Thr895Met)

Gene: NLRP3 (NLR family pyrin domain containing 3; plus strand). Cytogenetic location: 1q44.
Variant type: single nucleotide variant.
Coding change: c.2684C>T on transcript NM_001243133.2 (MANE Select); coding-DNA position 2684, C replaced by T.
Protein change: p.Thr895Met; replaces threonine 895 with methionine.
Molecular consequence: missense variant.
Genome position (GRCh38, 1-based): chr1:247,443,992, C>T. VCF-style: chr1-247443992-C-T. GRCh37 (hg19) VCF-style: chr1-247607294-C-T.
Other names: c.2684C>T, p.Thr895Met (NM_001079821.3); c.2513C>T, p.Thr838Met (NM_001127461.3, NM_001127462.3); c.2690C>T, p.Thr897Met (NM_004895.5); c.2342C>T, p.Thr781Met (NM_183395.3); short protein forms T781M, T897M, T838M, T895M.
Identifiers: ClinVar variation 3583404 (VCV003583404.2).